The following is an entry in ClinVar:

NM_001394372.1(BICRA):c.3223A>G (p.Thr1075Ala)

Gene: BICRA (BRD4 interacting chromatin remodeling complex associated protein; plus strand). Cytogenetic location: 19q13.33.
Variant type: single nucleotide variant.
Coding change: c.3223A>G on transcript NM_001394372.1 (MANE Select); coding-DNA position 3223, A replaced by G.
Protein change: p.Thr1075Ala; replaces threonine 1075 with alanine.
Molecular consequence: missense variant.
Genome position (GRCh38, 1-based): chr19:47,696,487, A>G. VCF-style: chr19-47696487-A-G. GRCh37 (hg19) VCF-style: chr19-48199744-A-G.
Other names: c.3223A>G, p.Thr1075Ala (NM_015711.3); short protein forms T1075A.
Identifiers: ClinVar variation 3629646 (VCV003629646.1).

ClinVar aggregate classification (germline): Uncertain significance (1 of 4 stars; one submission).

Submission:

Women's Health and Genetics/Laboratory Corporation of America, LabCorp
Classification: Uncertain significance. Last evaluated: 2024-11-13. Review status: criteria provided, single submitter. Criteria: LabCorp Variant Classification Summary - May 2015. Collection method: clinical testing. Allele origin: germline.
Comment: Variant summary: BICRA c.3223A>G (p.Thr1075Ala) results in a non-conservative amino acid change in the encoded protein sequence. Four of five in-silico tools predict a benign effect of the variant on protein function. The variant allele was found at a frequency of 1.3e-05 in 152164 control chromosomes. The available data on variant occurrences in the general population are insufficient to allow any conclusion about variant significance. To our knowledge, no occurrence of c.3223A>G in individuals affected with Coffin-Siris Syndrome 12 and no experimental evidence demonstrating its impact on protein function have been reported. No submitters have cited clinical-significance assessments for this variant to ClinVar. Based on the evidence outlined above, the variant was classified as uncertain significance.